The following is an entry in ClinVar:

NM_018124.4(RFWD3):c.1438A>T (p.Lys480Ter)

Gene: RFWD3 (ring finger and WD repeat domain 3; minus strand). Cytogenetic location: 16q23.1.
Variant type: single nucleotide variant.
Coding change: c.1438A>T on transcript NM_018124.4 (MANE Select); coding-DNA position 1438, A replaced by T.
Protein change: p.Lys480Ter; replaces lysine 480 with a stop codon.
Molecular consequence: nonsense.
Genome position (GRCh38, 1-based): chr16:74,632,662, T>A on the plus strand (A>T on the coding strand, the complement: RFWD3 is on the minus strand). VCF-style: chr16-74632662-T-A. GRCh37 (hg19) VCF-style: chr16-74666560-T-A.
Other names: c.1438A>T, p.Lys480Ter (NM_001370534.1, NM_001370535.1, NM_001370536.1); c.604A>T, p.Lys202Ter (NM_001370537.1, NM_001370539.1, NM_001370540.1 and 2 more transcripts); short protein forms K202*, K480*.
Identifiers: ClinVar variation 3348646 (VCV003348646.1).

ClinVar aggregate classification (germline): Uncertain significance (0 of 4 stars; one submission).

Conditions:
RFWD3-related disorder. Also called: RFWD3-related condition.

gnomAD v4.1: 2 of 1,614,060 alleles (0.00012%); highest among the groups gnomAD compares: Non-Finnish European, 0.00017%; no homozygotes.

Submission:

PreventionGenetics, part of Exact Sciences
Classification: Uncertain significance for RFWD3-related condition. Last evaluated: 2024-04-22. Review status: no assertion criteria provided. Collection method: clinical testing. Allele origin: germline.
Comment: The RFWD3 c.1438A>T variant is predicted to result in premature protein termination (p.Lys480*). To our knowledge, this variant has not been reported in the literature or in a large population database, indicating this variant is rare. At this time, the clinical significance of this variant is uncertain due to the absence of conclusive functional and genetic evidence.